The following is an entry in ClinVar:

NM_000051.4(ATM):c.6409G>A (p.Asp2137Asn)

Genes: ATM (ATM serine/threonine kinase; plus strand), C11orf65 (chromosome 11 open reading frame 65; minus strand). Cytogenetic location: 11q22.3.
Variant type: single nucleotide variant.
Coding change: c.6409G>A on transcript NM_000051.4 (MANE Select); coding-DNA position 6409, G replaced by A.
Protein change: p.Asp2137Asn; replaces aspartic acid 2137 with asparagine.
Molecular consequence: missense variant. On other transcripts: intron variant (2).
Genome position (GRCh38, 1-based): chr11:108,320,015, G>A. VCF-style: chr11-108320015-G-A. GRCh37 (hg19) VCF-style: chr11-108190742-G-A.
Other names: c.6409G>A, p.Asp2137Asn (NM_001351834.2); c.641-10944C>T (NM_001330368.2); c.*39-10944C>T (NM_001351110.2); short protein forms D2137N.
Identifiers: ClinVar variation 481255 (VCV000481255.7), dbSNP rs1389038955, ClinGen allele CA382553424.
Genomic context (GRCh38, chr11:108,320,015, plus strand): 5'-AAAGAAGTAGAAGGAACCAGTTACCATGAATCATTGTACAATGCTCTACAATCTCTAAGA[G>A]ACAGAGAATTCTCTACATTTTATGAAAGTCTCAAATATGCCAGGTATTATGAAAAGACAA-3'
Protein context (NP_000042.3, residues 2127-2147): SLYNALQSLR[Asp2137Asn]REFSTFYESL

ClinVar aggregate classification (germline): Uncertain significance (1 of 4 stars; one submission).

Conditions:
Hereditary cancer-predisposing syndrome. Also called: Neoplastic Syndromes, Hereditary; Hereditary Cancer Syndrome; Tumor predisposition; Hereditary neoplastic syndrome. Identifiers: Orphanet 140162, MedGen C0027672, MeSH D009386, MONDO:0015356.

gnomAD v4.1: 1 of 1,611,782 alleles (0.000062%); highest among the groups gnomAD compares: Non-Finnish European, 0.000085%; no homozygotes.

Submission:

Ambry Genetics
Classification: Uncertain significance for Hereditary cancer-predisposing syndrome. Last evaluated: 2020-02-10. Review status: criteria provided, single submitter. Criteria: Ambry Variant Classification Scheme 2023. Collection method: clinical testing. Allele origin: germline.
Comment: The p.D2137N variant (also known as c.6409G>A), located in coding exon 43 of the ATM gene, results from a G to A substitution at nucleotide position 6409. The aspartic acid at codon 2137 is replaced by asparagine, an amino acid with highly similar properties. This amino acid position is not well conserved in available vertebrate species. In addition, this alteration is predicted to be tolerated by in silico analysis. Since supporting evidence is limited at this time, the clinical significance of this alteration remains unclear.